The following is an entry in ClinVar:

ClinVar aggregate classification (germline): Conflicting classifications of pathogenicity. Review status: criteria provided, conflicting classifications (1 of 4 stars). 2 submissions from 2 submitters: Uncertain significance (1); Likely benign (1). Last evaluated 2020-03-27.

Conditions:
PURA-related severe neonatal hypotonia-seizures-encephalopathy syndrome (NEDRIHF). Also called: PURA-Related Neurodevelopmental Disorders; NEURODEVELOPMENTAL DISORDER WITH NEONATAL RESPIRATORY INSUFFICIENCY, HYPOTONIA, AND FEEDING DIFFICULTIES. Identifiers: Orphanet 438213, Orphanet 438216, MedGen C4015357, MONDO:1060108, OMIM 616158, MONDO:0018580.

Submissions (2):

Centre for Mendelian Genomics, University Medical Centre Ljubljana
Classification: Uncertain significance for PURA-related severe neonatal hypotonia-seizures-encephalopathy syndrome. Last evaluated: 2020-03-27. Review status: criteria provided, single submitter. Criteria: ACMG Guidelines, 2015. Collection method: clinical testing. Allele origin: unknown. Affected: yes.
Comment: This variant was classified as: Uncertain significance. The available evidence on this variant's pathogenicity is insufficient or conflicting. The following ACMG criteria were applied in classifying this variant: PM2.

Blueprint Genetics
Classification: Likely benign. Last evaluated: 2019-11-22. Review status: criteria provided, single submitter. Criteria: ACMG Guidelines, 2015. Collection method: clinical testing. Allele origin: germline.

NM_005859.5(PURA):c.116_148del (p.Gly39_Gly49del)

Gene: PURA (purine rich element binding protein A; plus strand). Cytogenetic location: 5q31.3.
Variant type: Deletion.
Coding change: c.116_148del on transcript NM_005859.5 (MANE Select); coding-DNA positions 116 to 148, 33 bases deleted.
Protein change: p.Gly39_Gly49del.
Molecular consequence: inframe deletion.
Genome position (GRCh38, 1-based): chr5:140,114,297-140,114,329, 33 bases deleted; deleting any 33 consecutive bases within chr5:140,114,287-140,114,329 gives the same sequence; the c. name uses the placement nearest the transcript's 3' end. GRCh37 (hg19): chr5:139,493,882-139,493,914.
Identifiers: ClinVar variation 931313 (VCV000931313.4), dbSNP rs1763037560, ClinGen allele CA1082183772.